The following is an entry in ClinVar:

NM_000459.5(TEK):c.1030+6G>A

Gene: TEK (TEK receptor tyrosine kinase; plus strand). Cytogenetic location: 9p21.2.
Variant type: single nucleotide variant.
Coding change: c.1030+6G>A on transcript NM_000459.5 (MANE Select); 6 bases into the intron after coding-DNA position 1030, G replaced by A.
Molecular consequence: intron variant.
Genome position (GRCh38, 1-based): chr9:27,180,374, G>A. VCF-style: chr9-27180374-G-A. GRCh37 (hg19) VCF-style: chr9-27180372-G-A.
Other names: c.902-3085G>A (NM_001290077.2, NM_001375476.1); c.590-3085G>A (NM_001290078.2); c.1030+6G>A (NM_001375475.1).
Identifiers: ClinVar variation 2968809 (VCV002968809.3), dbSNP rs775264500, ClinGen allele CA5016086.

ClinVar aggregate classification (germline): Uncertain significance (1 of 4 stars; one submission).

Allele frequency attached by ClinVar (database versions not stated): ExAC 0.00001.
gnomAD v4.1: 9 of 1,612,152 alleles (0.00056%); highest among the groups gnomAD compares: Non-Finnish European, 0.00068%; no homozygotes.

Submission:

Labcorp Genetics (formerly Invitae), Labcorp
Classification: Uncertain significance. Last evaluated: 2023-05-12. Review status: criteria provided, single submitter. Criteria: Invitae Variant Classification Sherloc (09022015). Collection method: clinical testing. Allele origin: germline.
Comment: This sequence change falls in intron 7 of the TEK gene. It does not directly change the encoded amino acid sequence of the TEK protein. It affects a nucleotide within the consensus splice site. This variant is present in population databases (rs775264500, gnomAD 0.0009%). In summary, the available evidence is currently insufficient to determine the role of this variant in disease. Therefore, it has been classified as a Variant of Uncertain Significance. Variants that disrupt the consensus splice site are a relatively common cause of aberrant splicing (PMID: 17576681, 9536098). Algorithms developed to predict the effect of sequence changes on RNA splicing suggest that this variant is not likely to affect RNA splicing. This variant has not been reported in the literature in individuals affected with TEK-related conditions.

Literature cited by the submitters: PubMed 17576681; PubMed 9536098.